The following is an entry in ClinVar:

ClinVar aggregate classification (germline): Pathogenic (1 of 4 stars; one submission).

Submission:

GeneDx
Classification: Pathogenic. Last evaluated: 2015-07-10. Review status: criteria provided, single submitter. Criteria: GeneDx Variant Classification (06012015). Collection method: clinical testing. Allele origin: germline. Affected: yes.
Comment: The c.1344dupT duplication in the SCN1A gene causes a frameshift starting with codon Glutamic acid 449, changes this amino acid to a premature stop codon, denoted p.Glu449Ter. This duplication is predicted to cause loss of normal protein function either through protein truncation or nonsense-mediated mRNAdecay. Although this variant has not been previously reported to our knowledge, we interpret it as pathogenic.

NM_001165963.4(SCN1A):c.1344dup (p.Glu449Ter)

Gene: SCN1A (sodium voltage-gated channel alpha subunit 1; minus strand). Cytogenetic location: 2q24.3.
Variant type: Duplication.
Coding change: c.1344dup on transcript NM_001165963.4 (MANE Select); coding-DNA position 1344, one base duplicated (T; older notation c.1344dupT).
Protein change: p.Glu449Ter; replaces glutamic acid 449 with a stop codon.
Molecular consequence: nonsense. On other transcripts: 5 prime UTR variant (1), non-coding transcript variant (1).
Genome position (GRCh38, 1-based): chr2:166,046,803, A duplicated on the plus strand (T on the coding strand, the reverse complement: SCN1A is on the minus strand); the first of 2 consecutive A bases (chr2:166,046,803-166,046,804); duplicating either gives the same sequence. VCF-style (leftmost placement, unchanged base first): chr2-166046802-C-CA. GRCh37 (hg19) VCF-style: chr2-166903312-C-CA.
Other names: c.1344dup, p.Glu449Ter (NM_001165964.3, NM_001202435.3, NM_001353948.2 and 10 more transcripts); c.-1082dup (NM_001353961.2); short protein forms E449*.
Identifiers: ClinVar variation 419340 (VCV000419340.2), dbSNP rs1064793803, ClinGen allele CA16617312.
Genomic context (GRCh38, chr2:166,046,802, plus strand): 5'-TCAGTGCCATGAGACAGGGCAGCTTTACCTGAGCTGCCTCCTGTTGCTTTTTAAGCTGTT[C>CA]AATCATCTGCTGAAATTCGGCCTCTTTCTGTTCTGCTTCTTCCAAGGTGGCCTGATTCTG-3'